The following is an entry in ClinVar:

NM_003823.4(TNFRSF6B):c.137G>T (p.Arg46Leu)

Genes: RTEL1-TNFRSF6B (RTEL1-TNFRSF6B readthrough (NMD candidate); plus strand), TNFRSF6B (TNF receptor superfamily member 6b; plus strand). Cytogenetic location: 20q13.33.
Variant type: single nucleotide variant.
Coding change: c.137G>T on transcript NM_003823.4 (MANE Select); coding-DNA position 137, G replaced by T.
Protein change: p.Arg46Leu; replaces arginine 46 with leucine.
Molecular consequence: missense variant. On other transcripts: non-coding transcript variant (1).
Genome position (GRCh38, 1-based): chr20:63,696,904, G>T. VCF-style: chr20-63696904-G-T. GRCh37 (hg19) VCF-style: chr20-62328257-G-T.
Other names: c.137G>T (NM_003823.3); short protein forms R46L.
Identifiers: ClinVar variation 3012184 (VCV003012184.5), dbSNP rs572993898, ClinGen allele CA409710832.

ClinVar aggregate classification (germline): Uncertain significance. Review status: criteria provided, multiple submitters, no conflicts (2 of 4 stars). 3 submissions from 3 submitters: Uncertain significance (3). Last evaluated 2026-07-02.

Conditions:
TNFRSF6B-related disorder. Also called: TNFRSF6B-related condition.

Submissions (3):

PreventionGenetics, part of Exact Sciences
Classification: Uncertain significance for TNFRSF6B-related condition. Last evaluated: 2026-07-02. Review status: criteria provided, single submitter. Criteria: ACMG Guidelines, 2015. Collection method: clinical testing. Allele origin: germline.
Comment: The TNFRSF6B c.137G>T variant is predicted to result in the amino acid substitution p.Arg46Leu. To our knowledge, this variant has not been reported in the literature. This variant is reported in 0.0029% of alleles in individuals of Latino descent in gnomAD. At this time, the clinical significance of this variant is uncertain due to the absence of conclusive functional and genetic evidence.

Ambry Genetics
Classification: Uncertain significance. Last evaluated: 2025-11-13. Review status: criteria provided, single submitter. Criteria: Ambry Variant Classification Scheme 2023. Collection method: clinical testing. Allele origin: germline.

Labcorp Genetics (formerly Invitae), Labcorp
Classification: Uncertain significance. Last evaluated: 2024-12-30. Review status: criteria provided, single submitter. Criteria: Invitae Variant Classification Sherloc (09022015). Collection method: clinical testing. Allele origin: germline.
Comment: This sequence change replaces arginine, which is basic and polar, with leucine, which is neutral and non-polar, at codon 46 of the TNFRSF6B protein (p.Arg46Leu). The frequency data for this variant in the population databases is considered unreliable, as metrics indicate poor data quality at this position in the gnomAD database. This variant has not been reported in the literature in individuals affected with TNFRSF6B-related conditions. ClinVar contains an entry for this variant (Variation ID: 3012184). An algorithm developed to predict the effect of missense changes on protein structure and function (PolyPhen-2) suggests that this variant is likely to be tolerated. In summary, the available evidence is currently insufficient to determine the role of this variant in disease. Therefore, it has been classified as a Variant of Uncertain Significance.